The following is an entry in ClinVar:

NM_139276.3(STAT3):c.1091T>A (p.Ile364Asn)

Gene: STAT3 (signal transducer and activator of transcription 3; minus strand). Cytogenetic location: 17q21.2.
Variant type: single nucleotide variant.
Coding change: c.1091T>A on transcript NM_139276.3 (MANE Select); coding-DNA position 1091, T replaced by A.
Protein change: p.Ile364Asn; replaces isoleucine 364 with asparagine.
Molecular consequence: missense variant. On other transcripts: intron variant (1).
Genome position (GRCh38, 1-based): chr17:42,331,490, A>T on the plus strand (T>A on the coding strand, the complement: STAT3 is on the minus strand). VCF-style: chr17-42331490-A-T. GRCh37 (hg19) VCF-style: chr17-40483508-A-T.
Other names: c.1091T>A, p.Ile364Asn (NM_001384991.1, NM_001384993.1, NM_003150.4 and 14 more transcripts); c.1050-1714T>A (NM_001384992.1); c.1013T>A, p.Ile338Asn (NM_001384985.1); c.995T>A, p.Ile332Asn (NM_001384989.1); short protein forms I332N, I338N, I364N.
Identifiers: ClinVar variation 4782876 (VCV004782876.2).

ClinVar aggregate classification (germline): Uncertain significance. Review status: criteria provided, multiple submitters, no conflicts (2 of 4 stars). 2 submissions from 2 submitters: Uncertain significance (2). Last evaluated 2026-03-02.

Conditions:
Hyper-IgE recurrent infection syndrome 1, autosomal dominant. Also called: Hyper-IgE recurrent infection syndrome 1; HYPER-IgE SYNDROME 1, AUTOSOMAL DOMINANT, WITH RECURRENT INFECTIONS; Job's Syndrome; JOB SYNDROME; STAT3 Hyper IgE Syndrome. Identifiers: Orphanet 2314, MedGen C2936739, MONDO:0007818, OMIM 147060.
STAT3 gain of function. Identifiers: MedGen C4288261.

Submissions (2):

GeneDx
Classification: Uncertain significance. Last evaluated: 2026-03-02. Review status: criteria provided, single submitter. Criteria: GeneDx Variant Classification Process June 2021. Collection method: clinical testing. Allele origin: germline.
Comment: Not observed at significant frequency in large population cohorts (gnomAD); In silico analysis supports that this missense variant has a deleterious effect on protein structure/function; Has not been previously published as pathogenic or benign to our knowledge; This variant is associated with the following publications: (PMID: 18602572)

Labcorp Genetics (formerly Invitae), Labcorp
Classification: Uncertain significance for STAT3 gain of function; Hyper-IgE recurrent infection syndrome 1, autosomal dominant. Last evaluated: 2025-08-16. Review status: criteria provided, single submitter. Criteria: Invitae Variant Classification Sherloc (09022015). Collection method: clinical testing. Allele origin: germline.
Comment: This sequence change replaces isoleucine, which is neutral and non-polar, with asparagine, which is neutral and polar, at codon 364 of the STAT3 protein (p.Ile364Asn). This variant is not present in population databases (gnomAD no frequency). This variant has not been reported in the literature in individuals affected with STAT3-related conditions. Invitae Evidence Modeling of protein sequence and biophysical properties (such as structural, functional, and spatial information, amino acid conservation, physicochemical variation, residue mobility, and thermodynamic stability) indicates that this missense variant is not expected to disrupt STAT3 protein function with a negative predictive value of 80%. In summary, the available evidence is currently insufficient to determine the role of this variant in disease. Therefore, it has been classified as a Variant of Uncertain Significance.